The following is an entry in ClinVar:

NM_000256.3(MYBPC3):c.2413G>A (p.Gly805Ser)

Gene: MYBPC3 (myosin binding protein C3; minus strand). Cytogenetic location: 11p11.2.
Variant type: single nucleotide variant.
Coding change: c.2413G>A on transcript NM_000256.3 (MANE Select); coding-DNA position 2413, G replaced by A.
Protein change: p.Gly805Ser; replaces glycine 805 with serine.
Molecular consequence: missense variant.
Genome position (GRCh38, 1-based): chr11:47,337,690, C>T on the plus strand (G>A on the coding strand, the complement: MYBPC3 is on the minus strand). VCF-style: chr11-47337690-C-T. GRCh37 (hg19) VCF-style: chr11-47359241-C-T.
Other names: short protein forms G805S.
Identifiers: ClinVar variation 1705408 (VCV001705408.1), dbSNP rs1482119148, ClinGen allele CA380318577.

ClinVar aggregate classification (germline): Uncertain significance (1 of 4 stars; one submission).

Conditions:
Hypertrophic cardiomyopathy 4. Also called: Familial hypertrophic cardiomyopathy 4. Identifiers: MedGen C1861862, MONDO:0007268, OMIM 115197.

Submission:

3billion
Classification: Uncertain significance for Hypertrophic cardiomyopathy 4. Last evaluated: 2022-09-01. Review status: criteria provided, single submitter. Criteria: ACMG Guidelines, 2015. Collection method: clinical testing. Allele origin: germline. Affected: yes. Observed: 1 heterozygote.
Comment: The variant is not observed in the gnomAD v2.1.1 dataset. While this variant results in missense change, protein truncation variants are a common disease-causing mechanism. Same nucleotide change resulting in same amino acid change has been previously reported to be associated with MYBPC3-related disorder (PMID: 21799269). A different missense change at the same codon (p.Gly805Asp) has been reported to be associated with MYBPC3-related disorder (ClinVar ID: VCV000180969). However the evidence of pathogenicity is insufficient at this time. Therefore, this variant is classified as uncertain significance according to the recommendation of ACMG/AMP guideline.

Literature cited by the submitters: PubMed 21799269.